The following is an entry in ClinVar:

NM_007294.4(BRCA1):c.5194-1244T>G

Gene: BRCA1 (BRCA1 DNA repair associated; minus strand). Cytogenetic location: 17q21.31.
Variant type: single nucleotide variant.
Coding change: c.5194-1244T>G on transcript NM_007294.4 (MANE Select); 1244 bases into the intron before coding-DNA position 5194, T replaced by G.
Molecular consequence: intron variant.
Genome position (GRCh38, 1-based): chr17:43,058,379, A>C on the plus strand (T>G on the coding strand, the complement: BRCA1 is on the minus strand). VCF-style: chr17-43058379-A-C. GRCh37 (hg19) VCF-style: chr17-41210396-A-C.
Other names: IVS 19-1244T>G; c.1741-1244T>G (NM_001408458.1, NM_001408461.1, NM_001408464.1 and 7 more transcripts); c.4303-1244T>G (NM_001407967.1); c.4813-1244T>G (NM_001407959.1); c.4927-1244T>G (NM_001407931.1, NM_001407932.1, NM_001407928.1 and 4 more transcripts); c.5050-1244T>G (NM_001407747.1, NM_001407745.1, NM_001407737.1 and 21 more transcripts); c.4810-1244T>G (NM_001407962.1, NM_001407960.1); c.1381-1244T>G (NM_001408512.1); and 73 more.
Identifiers: ClinVar variation 209296 (VCV000209296.2), dbSNP rs8176279, ClinGen allele CA276268.
Genomic context (GRCh38, chr17:43,058,379, plus strand): 5'-AACTGTGATCATACCACCACACTCCCGCCTGGGTGACAAAGTGAGACTCTGCTAAAAAAA[A>C]ACACACACACACACACACATAAAACAAAAAAAAGAAAGAAAGAAAAAGAATTGCTGGGCA-3'

ClinVar aggregate classification (germline): Benign (3 of 4 stars; one submission).

Conditions:
Breast-ovarian cancer, familial, susceptibility to, 1 (BROVCA1). Also called: BRCA1 Hereditary Breast and Ovarian Cancer; OVARIAN CANCER, SUSCEPTIBILITY TO. Identifiers: Orphanet 145, MedGen C2676676, MONDO:0011450, OMIM 604370. Disease mechanism: loss of function.

Allele frequency attached by ClinVar (database versions not stated): gnomAD 0.41220 and 0.41334; TOPMed 0.41339; 1000 Genomes Project 0.45927.
gnomAD v4.1: 61,808 of 149,880 alleles (41%); highest among the groups gnomAD compares: African/African-American, 58%; 13,611 homozygotes.

Submission:

Evidence-based Network for the Interpretation of Germline Mutant Alleles (ENIGMA)
Classification: Benign for Breast-ovarian cancer, familial 1. Last evaluated: 2015-01-12. Review status: reviewed by expert panel. Criteria: ENIGMA BRCA1/2 Classification Criteria (2015). Collection method: curation. Allele origin: germline.
Comment: Class 1 not pathogenic based on frequency >1% in an outbred sampleset. Frequency 0.3392 (Asian), 0.4411 (African), 0.3588 (European), derived from 1000 genomes (2012-04-30).